The following is an entry in ClinVar:

NM_000222.3(KIT):c.2848G>C (p.Val950Leu)

Gene: KIT (KIT proto-oncogene, receptor tyrosine kinase; plus strand). Cytogenetic location: 4q12.
Variant type: single nucleotide variant.
Coding change: c.2848G>C on transcript NM_000222.3 (MANE Select); coding-DNA position 2848, G replaced by C.
Protein change: p.Val950Leu; replaces valine 950 with leucine.
Molecular consequence: missense variant.
Genome position (GRCh38, 1-based): chr4:54,738,474, G>C. VCF-style: chr4-54738474-G-C. GRCh37 (hg19) VCF-style: chr4-55604640-G-C.
Other names: c.2836G>C, p.Val946Leu (NM_001093772.2, NM_001385292.1); c.2851G>C, p.Val951Leu (NM_001385284.1); c.2845G>C, p.Val949Leu (NM_001385285.1); c.2833G>C, p.Val945Leu (NM_001385286.1); c.2839G>C, p.Val947Leu (NM_001385288.1); c.2848G>C, p.Val950Leu (NM_001385290.1); short protein forms V945L, V947L, V949L, V946L, V950L, V951L.
Identifiers: ClinVar variation 2007393 (VCV002007393.4), dbSNP rs146374006, ClinGen allele CA356916084.
Genomic context (GRCh38, chr4:54,738,474, plus strand): 5'-GCTTGTTTTCTCCAGATTTACTCCAACTTAGCAAACTGCAGCCCCAACCGACAGAAGCCC[G>C]TGGTAGACCATTCTGTGCGGATCAATTCTGTCGGCAGCACCGCTTCCTCCTCCCAGCCTC-3'
Protein context (NP_000213.1, residues 940-960): ANCSPNRQKP[Val950Leu]VDHSVRINSV

ClinVar aggregate classification (germline): Uncertain significance (1 of 4 stars; one submission).

Conditions:
Gastrointestinal stromal tumor. Also called: Gastrointestinal stroma tumor; Gastrointestinal stromal tumor, somatic. Identifiers: Orphanet 44890, MedGen C0238198, MeSH D046152, MONDO:0011719, OMIM 606764, HP:0100723.

Submission:

Labcorp Genetics (formerly Invitae), Labcorp
Classification: Uncertain significance for Gastrointestinal stromal tumor. Last evaluated: 2022-06-16. Review status: criteria provided, single submitter. Criteria: Invitae Variant Classification Sherloc (09022015). Collection method: clinical testing. Allele origin: germline.
Comment: In summary, the available evidence is currently insufficient to determine the role of this variant in disease. Therefore, it has been classified as a Variant of Uncertain Significance. Algorithms developed to predict the effect of missense changes on protein structure and function (SIFT, PolyPhen-2, Align-GVGD) all suggest that this variant is likely to be tolerated. This variant has not been reported in the literature in individuals affected with KIT-related conditions. This variant is not present in population databases (gnomAD no frequency). This sequence change replaces valine, which is neutral and non-polar, with leucine, which is neutral and non-polar, at codon 950 of the KIT protein (p.Val950Leu).